The following is an entry in ClinVar:

ClinVar aggregate classification (germline): Uncertain significance. Review status: criteria provided, multiple submitters, no conflicts (2 of 4 stars). 2 submissions from 2 submitters: Uncertain significance (2). Last evaluated 2025-12-09.

Conditions:
Inborn genetic diseases. Identifiers: MedGen C0950123, MeSH D030342.

Submissions (2):

Ambry Genetics
Classification: Uncertain significance for Inborn genetic diseases. Last evaluated: 2025-12-09. Review status: criteria provided, single submitter. Criteria: Ambry Variant Classification Scheme 2023. Collection method: clinical testing. Allele origin: germline.

Labcorp Genetics (formerly Invitae), Labcorp
Classification: Uncertain significance. Last evaluated: 2025-03-31. Review status: criteria provided, single submitter. Criteria: Invitae Variant Classification Sherloc (09022015). Collection method: clinical testing. Allele origin: germline.
Comment: This sequence change replaces valine, which is neutral and non-polar, with alanine, which is neutral and non-polar, at codon 875 of the KIAA1549 protein (p.Val875Ala). This variant is not present in population databases (gnomAD no frequency). This variant has not been reported in the literature in individuals affected with KIAA1549-related conditions. ClinVar contains an entry for this variant (Variation ID: 1922319). An algorithm developed to predict the effect of missense changes on protein structure and function (PolyPhen-2) suggests that this variant is likely to be tolerated. In summary, the available evidence is currently insufficient to determine the role of this variant in disease. Therefore, it has been classified as a Variant of Uncertain Significance.

NM_001164665.2(KIAA1549):c.2624T>C (p.Val875Ala)

Gene: KIAA1549 (KIAA1549; minus strand). Cytogenetic location: 7q34.
Variant type: single nucleotide variant.
Coding change: c.2624T>C on transcript NM_001164665.2 (MANE Select); coding-DNA position 2624, T replaced by C.
Protein change: p.Val875Ala; replaces valine 875 with alanine.
Molecular consequence: missense variant.
Genome position (GRCh38, 1-based): chr7:138,917,002, A>G on the plus strand (T>C on the coding strand, the complement: KIAA1549 is on the minus strand). VCF-style: chr7-138917002-A-G. GRCh37 (hg19) VCF-style: chr7-138601748-A-G.
Other names: c.2624T>C (NM_001164665.1); c.2624T>C, p.Val875Ala (NM_020910.3); short protein forms V875A.
Identifiers: ClinVar variation 1922319 (VCV001922319.6), dbSNP rs777811390, ClinGen allele CA369392297.